The following is an entry in ClinVar:

ClinVar aggregate classification (germline): Uncertain significance (1 of 4 stars; one submission).

Conditions:
ADCY3-related disorder. Also called: ADCY3-related condition.

Allele frequency attached by ClinVar (database versions not stated): ExAC 0.00014; ESP Exome Variant Server 0.00023; gnomAD 0.00038; 1000 Genomes Project 0.00100; 1000 Genomes Project 30x 0.00109.
gnomAD v4.1: 98 of 1,614,058 alleles (0.0061%); highest among the groups gnomAD compares: African/African-American, 0.12%; no homozygotes.

Submission:

PreventionGenetics, part of Exact Sciences
Classification: Uncertain significance for ADCY3-related condition. Last evaluated: 2025-12-29. Review status: criteria provided, single submitter. Criteria: ACMG Guidelines, 2015. Collection method: clinical testing. Allele origin: germline.
Comment: The ADCY3 c.1553C>G variant is predicted to result in the amino acid substitution p.Pro518Arg. To our knowledge, this variant has not been reported in the literature. This variant is reported in 0.15% of alleles in individuals of African descent in gnomAD. Although we suspect this variant may be benign, at this time its clinical significance is uncertain due to the absence of conclusive functional and genetic evidence.

NM_004036.5(ADCY3):c.1553C>G (p.Pro518Arg)

Gene: ADCY3 (adenylate cyclase 3; minus strand). Cytogenetic location: 2p23.3.
Variant type: single nucleotide variant.
Coding change: c.1553C>G on transcript NM_004036.5 (MANE Select); coding-DNA position 1553, C replaced by G.
Protein change: p.Pro518Arg; replaces proline 518 with arginine.
Molecular consequence: missense variant.
Genome position (GRCh38, 1-based): chr2:24,837,026, G>C on the plus strand (C>G on the coding strand, the complement: ADCY3 is on the minus strand). VCF-style: chr2-24837026-G-C. GRCh37 (hg19) VCF-style: chr2-25059895-G-C.
Other names: c.1553C>G, p.Pro518Arg (NM_001320613.2, NM_001377129.1, NM_001377130.1 and 1 more transcripts); c.1619C>G, p.Pro540Arg (NM_001377128.1); c.830C>G, p.Pro277Arg (NM_001377131.1); short protein forms P277R, P518R, P540R.
Identifiers: ClinVar variation 2636099 (VCV002636099.4), dbSNP rs142093233, ClinGen allele CA1554081.